The following is an entry in ClinVar:

ClinVar aggregate classification (germline): Pathogenic. Review status: criteria provided, multiple submitters, no conflicts (2 of 4 stars). 6 submissions from 6 submitters: Pathogenic (3). 3 of the submissions do not count toward it. Last evaluated 2025-10-28.

Conditions:
APP-related disorder. Also called: APP-related condition.
Alzheimer disease type 1 (AD1). Also called: ALZHEIMER DISEASE, FAMILIAL, 1; ALZHEIMER DISEASE, FAMILIAL, 1, AUTOSOMAL RECESSIVE. Identifiers: MedGen C1863052, MONDO:0007088, OMIM 104300.
Alzheimer disease. Also called: Presenile and senile dementia; Alzheimer's disease. Identifiers: Orphanet 1020, MedGen C0002395, MeSH D000544, MONDO:0004975, HP:0002511.

Submissions (6):

Labcorp Genetics (formerly Invitae), Labcorp
Classification: Pathogenic for Alzheimer disease. Last evaluated: 2025-10-28. Review status: criteria provided, single submitter. Criteria: Invitae Variant Classification Sherloc (09022015). Collection method: clinical testing. Allele origin: germline.
Comment: This variant, c.2010_2011delinsTC, is a complex sequence change that results in the deletion of 2 and insertion of 2 amino acid(s) in the APP protein (p.Lys670_Met671delinsAsnLeu). Information on the frequency of this variant in the gnomAD database is not available, as this variant may be reported differently in the database. This missense change has been observed in individuals with Alzheimer disease (PMID: 1302033). It has also been observed to segregate with disease in related individuals. This variant is also known as the "Swedish mutation". ClinVar contains an entry for this variant (Variation ID: 18093). Algorithms developed to predict the effect of variants on gene product structure and function are not available or were not evaluated for this variant. Experimental studies have shown that this missense change affects APP function (PMID: 8810256, 21335619, 23649480). For these reasons, this variant has been classified as Pathogenic.

PreventionGenetics, part of Exact Sciences
Classification: Pathogenic for APP-related condition. Last evaluated: 2024-11-12. Review status: criteria provided, single submitter. Criteria: ACMG Guidelines, 2015. Collection method: clinical testing. Allele origin: germline.
Comment: The APP c.2010_2011delinsTC variant is predicted to result in an in-frame deletion and insertion. This variant has been reported in multiple individuals with Alzheimer's disease (Mullan et al. 1992. PubMed ID: 1302033). Several transgenic mouse models demonstrate this variant, often referred to as the Swedish mutant, having a negative effect on APP function (Aso et al. 2012. PubMed ID: 22188425; Cuddy et al. 2015. PubMed ID: 25970623; Felsenstein et al. 1994. PubMed ID: 8012386; Sturchler-Pierrat et al. 1997. PubMed ID: 9371838; Katsurabayashi et al. 2016. PubMed ID: 26733247; Munter et al. 2010. PubMed ID: 20452985; Rabe et al. 2011. PubMed ID: 21812781; Rodrigues et al. 2012. PubMed ID: 22843498). Additionally, autopsies of Alzheimer’s patients carrying this variant revealed a 4-fold accumulation of 27-hydroxycholesterol levels across different cortexes of the brain (Shafaati et al. 2011. PubMed ID: 21335619). This variant has not been reported in a large population database, indicating this variant is rare. This variant is interpreted to be pathogenic.

Women's Health and Genetics/Laboratory Corporation of America, LabCorp
Classification: Pathogenic for Alzheimer disease. Last evaluated: 2024-01-05. Review status: criteria provided, single submitter. Criteria: LabCorp Variant Classification Summary - May 2015. Collection method: clinical testing. Allele origin: germline.
Comment: Variant summary: APP c.2010_2011delinsTC (p.Lys670_Met671delinsAsnLeu) results in an in-frame deletion-insertion that is predicted to replace 2 amino acids in the protein. The variant was absent in 251394 control chromosomes (gnomAD). The variant, c.2010_2011delinsTC (aka. APPswe, KM670/671NL), is a well-known variant that has been reported in the literature in Swedish families with multiple family members affected with Alzheimer Disease (e.g. Mullan_1992, Shafaati_2011, Thordardottir_2017, Johansson_2023). These data indicate that the variant is very likely to be associated with disease. Several publications reported experimental evidence evaluating an impact on protein function, and demonstrated that the variant causes ~5-10-fold increase in the production of the amyloidogenic C-terminal peptide fragments (e.g. Felsenstein_1992), and results in pathological features reminiscent of Alzheimer Disease pathology in transgenic mice (e.g. Sturchler-Pierrat_1997). The following publications have been ascertained in the context of this evaluation (PMID: 1302033, 21335619, 28209190 , 36626935, 8012386, 9371838). ClinVar contains an entry for this variant (Variation ID: 18093). Based on the evidence outlined above, the variant was classified as pathogenic.

OMIM
Classification: Pathogenic for ALZHEIMER DISEASE, FAMILIAL, 1. Last evaluated: 1998-10-22. Review status: no assertion criteria provided. Collection method: literature only. Allele origin: germline. Not counted in ClinVar's aggregate classification.

GeneReviews
No classification provided. Condition: Alzheimer disease. Review status: no classification provided. Collection method: literature only. Allele origin: unknown. Not counted in ClinVar's aggregate classification.

VIB  Department of Molecular Genetics, University of Antwerp
No classification provided. Review status: no classification provided. Collection method: not provided. Allele origin: unknown. Not counted in ClinVar's aggregate classification.

Literature cited by the submitters: PubMed 1302033 (cited by 4 submitters); PubMed 8810256 (cited by 3 submitters); PubMed 21335619 (cited by Labcorp Genetics (formerly Invitae), Labcorp and Women's Health and Genetics/Laboratory Corporation of America, LabCorp); PubMed 23649480 (cited by Labcorp Genetics (formerly Invitae), Labcorp); PubMed 8012386 (cited by 3 submitters); PubMed 36626935 (cited by Women's Health and Genetics/Laboratory Corporation of America, LabCorp); PubMed 9371838 (cited by 3 submitters); PubMed 28209190 (cited by Women's Health and Genetics/Laboratory Corporation of America, LabCorp); PubMed 1465129 (cited by OMIM and GeneReviews); PubMed 7991571 (cited by OMIM); PubMed 7489411 (cited by OMIM and GeneReviews); PubMed 9796810 (cited by OMIM and GeneReviews); PubMed 20301414 (cited by GeneReviews); NCBI Bookshelf NBK1236 (cited by GeneReviews).

NM_000484.4(APP):c.2010_2011inv (p.Lys670_Met671delinsAsnLeu)

Gene: APP (amyloid beta precursor protein; minus strand). Cytogenetic location: 21q21.3.
Variant type: Inversion.
Coding change: c.2010_2011inv on transcript NM_000484.4 (MANE Select).
Protein change: p.Lys670_Met671delinsAsnLeu.
Molecular consequence: missense variant.
Genome position: GRCh38 VCF-style: chr21-25897626-TC-GA. GRCh37 (hg19) VCF-style: chr21-27269938-TC-GA.
Other names: c.2010_2011delinsTC (NM_000484.3, NM_000484.2, NM_000484.4); c.1938_1939inv, p.Lys646_Met647delinsAsnLeu (NM_001136016.3); c.1617_1618inv, p.Lys539_Met540delinsAsnLeu (NM_001136129.3); c.1842_1843inv, p.Lys614_Met615delinsAsnLeu (NM_001136130.3, NM_001385253.1); c.1680_1681inv, p.Lys560_Met561delinsAsnLeu (NM_001136131.3); c.1956_1957inv, p.Lys652_Met653delinsAsnLeu (NM_001204301.2); c.1899_1900inv, p.Lys633_Met634delinsAsnLeu (NM_001204302.2); c.1731_1732inv, p.Lys577_Met578delinsAsnLeu (NM_001204303.2); and 2 more.
Identifiers: ClinVar variation 18093 (VCV000018093.12), dbSNP rs281865161, ClinGen allele CA127795.